The following is an entry in ClinVar:

ClinVar aggregate classification (germline): Uncertain significance (1 of 4 stars; one submission).

Allele frequency attached by ClinVar (database versions not stated): gnomAD exomes below 0.00001; TOPMed below 0.00001.

Submission:

Labcorp Genetics (formerly Invitae), Labcorp
Classification: Uncertain significance. Last evaluated: 2022-10-01. Review status: criteria provided, single submitter. Criteria: Invitae Variant Classification Sherloc (09022015). Collection method: clinical testing. Allele origin: germline.
Comment: In summary, the available evidence is currently insufficient to determine the role of this variant in disease. Therefore, it has been classified as a Variant of Uncertain Significance. Experimental studies have shown that this missense change affects SMAD2 function (PMID: 12432092, 23139211). Advanced modeling of protein sequence and biophysical properties (such as structural, functional, and spatial information, amino acid conservation, physicochemical variation, residue mobility, and thermodynamic stability) performed at Invitae indicates that this missense variant is expected to disrupt SMAD2 protein function. This variant has not been reported in the literature in individuals affected with SMAD2-related conditions. This variant is not present in population databases (gnomAD no frequency). This sequence change replaces serine, which is neutral and polar, with leucine, which is neutral and non-polar, at codon 276 of the SMAD2 protein (p.Ser276Leu).

Literature cited by the submitters: PubMed 12432092; PubMed 23139211.

NM_005901.6(SMAD2):c.827C>T (p.Ser276Leu)

Gene: SMAD2 (SMAD family member 2; minus strand). Cytogenetic location: 18q21.1.
Variant type: single nucleotide variant.
Coding change: c.827C>T on transcript NM_005901.6 (MANE Select); coding-DNA position 827, C replaced by T.
Protein change: p.Ser276Leu; replaces serine 276 with leucine.
Molecular consequence: missense variant.
Genome position (GRCh38, 1-based): chr18:47,848,645, G>A on the plus strand (C>T on the coding strand, the complement: SMAD2 is on the minus strand). VCF-style: chr18-47848645-G-A. GRCh37 (hg19) VCF-style: chr18-45375016-G-A.
Other names: c.827C>T, p.Ser276Leu (NM_001003652.4); c.737C>T, p.Ser246Leu (NM_001135937.3); short protein forms S276L, S246L.
Identifiers: ClinVar variation 2097524 (VCV002097524.4), dbSNP rs1226662382, ClinGen allele CA402504612.